The following is an entry in ClinVar:

NM_000256.3(MYBPC3):c.3236G>T (p.Gly1079Val)

Gene: MYBPC3 (myosin binding protein C3; minus strand). Cytogenetic location: 11p11.2.
Variant type: single nucleotide variant.
Coding change: c.3236G>T on transcript NM_000256.3 (MANE Select); coding-DNA position 3236, G replaced by T.
Protein change: p.Gly1079Val; replaces glycine 1079 with valine.
Molecular consequence: missense variant.
Genome position (GRCh38, 1-based): chr11:47,333,288, C>A on the plus strand (G>T on the coding strand, the complement: MYBPC3 is on the minus strand). VCF-style: chr11-47333288-C-A. GRCh37 (hg19) VCF-style: chr11-47354839-C-A.
Other names: short protein forms G1079V.
Identifiers: ClinVar variation 4759609 (VCV004759609.1).

ClinVar aggregate classification (germline): Uncertain significance (1 of 4 stars; one submission).

Conditions:
Hypertrophic cardiomyopathy. Also called: HYPERTROPHIC MYOCARDIOPATHY. Identifiers: Orphanet 217569, MedGen C0007194, MeSH D002312, MONDO:0005045, HP:0001639.

Submission:

Labcorp Genetics (formerly Invitae), Labcorp
Classification: Uncertain significance for Hypertrophic cardiomyopathy. Last evaluated: 2025-03-24. Review status: criteria provided, single submitter. Criteria: Invitae Variant Classification Sherloc (09022015). Collection method: clinical testing. Allele origin: germline.
Comment: This sequence change replaces glycine, which is neutral and non-polar, with valine, which is neutral and non-polar, at codon 1079 of the MYBPC3 protein (p.Gly1079Val). This variant is not present in population databases (gnomAD no frequency). This variant has not been reported in the literature in individuals affected with MYBPC3-related conditions. An algorithm developed to predict the effect of missense changes on protein structure and function (PolyPhen-2) suggests that this variant is likely to be disruptive. In summary, the available evidence is currently insufficient to determine the role of this variant in disease. Therefore, it has been classified as a Variant of Uncertain Significance.